The following is an entry in ClinVar:

ClinVar aggregate classification (germline): Uncertain significance (1 of 4 stars; one submission).

Submission:

GeneDx
Classification: Uncertain significance. Last evaluated: 2025-07-21. Review status: criteria provided, single submitter. Criteria: GeneDx Variant Classification Process June 2021. Collection method: clinical testing. Allele origin: germline. Affected: yes.
Comment: Not observed at significant frequency in large population cohorts (gnomAD); In silico analysis supports that this missense variant has a deleterious effect on protein structure/function; Has not been previously published as pathogenic or benign to our knowledge

NM_014975.3(MAST1):c.3038G>A (p.Gly1013Glu)

Gene: MAST1 (microtubule associated serine/threonine kinase 1; plus strand). Cytogenetic location: 19p13.13.
Variant type: single nucleotide variant.
Coding change: c.3038G>A on transcript NM_014975.3 (MANE Select); coding-DNA position 3038, G replaced by A.
Protein change: p.Gly1013Glu; replaces glycine 1013 with glutamic acid.
Molecular consequence: missense variant.
Genome position (GRCh38, 1-based): chr19:12,870,858, G>A. VCF-style: chr19-12870858-G-A. GRCh37 (hg19) VCF-style: chr19-12981672-G-A.
Other names: short protein forms G1013E.
Identifiers: ClinVar variation 4686943 (VCV004686943.1).